The following is an entry in ClinVar:

NM_000384.3(APOB):c.5798T>C (p.Leu1933Ser)

Gene: APOB (apolipoprotein B; minus strand). Cytogenetic location: 2p24.1.
Variant type: single nucleotide variant.
Coding change: c.5798T>C on transcript NM_000384.3 (MANE Select); coding-DNA position 5798, T replaced by C.
Protein change: p.Leu1933Ser; replaces leucine 1933 with serine.
Molecular consequence: missense variant.
Genome position (GRCh38, 1-based): chr2:21,011,070, A>G on the plus strand (T>C on the coding strand, the complement: APOB is on the minus strand). VCF-style: chr2-21011070-A-G. GRCh37 (hg19) VCF-style: chr2-21233942-A-G.
Other names: short protein forms L1933S.
Identifiers: ClinVar variation 1749691 (VCV001749691.2), dbSNP rs2465373558, ClinGen allele CA346003958.

ClinVar aggregate classification (germline): Uncertain significance (1 of 4 stars; one submission).

Conditions:
Cardiovascular phenotype. Identifiers: MedGen CN230736.

Submission:

Ambry Genetics
Classification: Uncertain significance for Cardiovascular phenotype. Last evaluated: 2022-08-24. Review status: criteria provided, single submitter. Criteria: Ambry Variant Classification Scheme 2023. Collection method: clinical testing. Allele origin: germline.
Comment: The p.L1933S variant (also known as c.5798T>C), located in coding exon 26 of the APOB gene, results from a T to C substitution at nucleotide position 5798. The leucine at codon 1933 is replaced by serine, an amino acid with dissimilar properties. This amino acid position is conserved. In addition, this alteration is predicted to be tolerated by in silico analysis. Since supporting evidence is limited at this time, the clinical significance of this alteration remains unclear.